The following is an entry in ClinVar:

NM_000277.3(PAH):c.553_706+646delinsTACTTACCTAT

Gene: PAH (phenylalanine hydroxylase; minus strand). Cytogenetic location: 12q23.2.
Variant type: Indel.
Coding change: c.553_706+646delinsTACTTACCTAT on transcript NM_000277.3 (MANE Select); coding-DNA position 553 through 646 bases into the intron after coding-DNA position 706, the reference bases replaced by TACTTACCTAT.
Molecular consequence: splice donor variant.
Genome position (GRCh38, 1-based): chr12:102,854,490-102,855,289, 800 bases replaced. GRCh37 (hg19): chr12:103,248,268-103,249,067.
Other names: c.553_706+646delinsTACTTACCTAT (NM_001354304.2).
Identifiers: ClinVar variation 2017917 (VCV002017917.4), ClinGen allele CA2580085705.

ClinVar aggregate classification (germline): Pathogenic (1 of 4 stars; one submission).

Conditions:
Phenylketonuria (PKU). Also called: FOLLING DISEASE; Phenylketonurias; Phenylketonuria (PKU); OLIGOPHRENIA PHENYLPYRUVICA. Identifiers: Orphanet 716, MedGen C0031485, MONDO:0009861, OMIM 261600. Disease mechanism: loss of function.

Submission:

Labcorp Genetics (formerly Invitae), Labcorp
Classification: Pathogenic for Phenylketonuria. Last evaluated: 2025-11-10. Review status: criteria provided, single submitter. Criteria: Invitae Variant Classification Sherloc (09022015). Collection method: clinical testing. Allele origin: germline.
Comment: This variant results in the deletion of part of exon 6 (c.553_706+646delinsTACTTACCTAT) of the PAH gene. It is expected to disrupt RNA splicing. Variants that disrupt the donor or acceptor splice site typically lead to a loss of protein function (PMID: 16199547), and loss-of-function variants in PAH are known to be pathogenic (PMID: 1301187, 9634518). This variant is not present in population databases (gnomAD no frequency). This variant has been observed in individuals with phenylketonuria (internal data). ClinVar contains an entry for this variant (Variation ID: 2017917). This variant disrupts a region of the PAH protein in which other variant(s) ( p.Val230Ala) have been determined to be pathogenic (PMID: 18299955, 28982351). This suggests that this is a clinically significant region of the protein, and that variants that disrupt it are likely to be disease-causing. For these reasons, this variant has been classified as Pathogenic.

Literature cited by the submitters: PubMed 16199547; PubMed 1301187; PubMed 9634518; PubMed 18299955; PubMed 28982351.